The following is an entry in ClinVar:

NM_001844.5(COL2A1):c.2679+30C>T

Gene: COL2A1 (collagen type II alpha 1 chain; minus strand). Cytogenetic location: 12q13.11.
Variant type: single nucleotide variant.
Coding change: c.2679+30C>T on transcript NM_001844.5 (MANE Select); 30 bases into the intron after coding-DNA position 2679, C replaced by T.
Molecular consequence: intron variant.
Genome position (GRCh38, 1-based): chr12:47,979,979, G>A on the plus strand (C>T on the coding strand, the complement: COL2A1 is on the minus strand). VCF-style: chr12-47979979-G-A. GRCh37 (hg19) VCF-style: chr12-48373762-G-A.
Other names: c.2472+30C>T (NM_033150.3).
Identifiers: ClinVar variation 679440 (VCV000679440.1), dbSNP rs41272031, ClinGen allele CA6535026.

ClinVar aggregate classification (germline): Likely benign (1 of 4 stars; one submission).

Allele frequency attached by ClinVar (database versions not stated): gnomAD exomes 0.00127 and 0.00281; ExAC 0.00521; gnomAD 0.01295 and 0.01378; ESP Exome Variant Server 0.01398; TOPMed 0.01455; 1000 Genomes Project 0.01577; 1000 Genomes Project 30x 0.01624.
gnomAD v4.1: 3,819 of 1,544,360 alleles (0.25%); highest among the groups gnomAD compares: African/African-American, 4.4%; 88 homozygotes.

Submission:

GeneDx
Classification: Likely benign. Last evaluated: 2018-06-14. Review status: criteria provided, single submitter. Criteria: GeneDx Variant Classification (06012015). Collection method: clinical testing. Allele origin: germline. Affected: yes.
Comment: This variant is considered likely benign or benign based on one or more of the following criteria: it is a conservative change, it occurs at a poorly conserved position in the protein, it is predicted to be benign by multiple in silico algorithms, and/or has population frequency not consistent with disease.